The following is an entry in ClinVar:

NM_004606.5(TAF1):c.3521A>T (p.Asp1174Val)

Gene: TAF1 (TATA-box binding protein associated factor 1; plus strand). Cytogenetic location: Xq13.1.
Variant type: single nucleotide variant.
Coding change: c.3521A>T on transcript NM_004606.5 (MANE Select); coding-DNA position 3521, A replaced by T.
Protein change: p.Asp1174Val; replaces aspartic acid 1174 with valine.
Molecular consequence: missense variant. On other transcripts: non-coding transcript variant (9).
Genome position (GRCh38, 1-based): chrX:71,397,367, A>T. VCF-style: chrX-71397367-A-T. GRCh37 (hg19) VCF-style: chrX-70617217-A-T.
Other names: c.3521A>T, p.Asp1174Val (NM_001286074.2); c.3458A>T, p.Asp1153Val (NM_138923.4); short protein forms D1153V, D1174V.
Identifiers: ClinVar variation 3603227 (VCV003603227.1).

ClinVar aggregate classification (germline): Uncertain significance (1 of 4 stars; one submission).

Submission:

GeneDx
Classification: Uncertain significance. Last evaluated: 2024-08-05. Review status: criteria provided, single submitter. Criteria: GeneDx Variant Classification Process June 2021. Collection method: clinical testing. Allele origin: germline. Affected: yes.
Comment: Not observed at significant frequency in large population cohorts (gnomAD); In silico analysis supports that this missense variant has a deleterious effect on protein structure/function; Has not been previously published as pathogenic or benign to our knowledge